The following is an entry in ClinVar:

ClinVar aggregate classification (germline): Uncertain significance. Review status: criteria provided, multiple submitters, no conflicts (2 of 4 stars). 2 submissions from 2 submitters: Uncertain significance (2). Last evaluated 2026-05-04.

Allele frequency attached by ClinVar (database versions not stated): gnomAD exomes below 0.00001.
gnomAD v4.1: 3 of 1,614,180 alleles (0.00019%); highest among the groups gnomAD compares: South Asian, 0.0022%; no homozygotes.

Submissions (2):

Ambry Genetics
Classification: Uncertain significance. Last evaluated: 2026-05-04. Review status: criteria provided, single submitter. Criteria: Ambry Variant Classification Scheme 2023. Collection method: clinical testing. Allele origin: germline.
Comment: The p.S494T variant (also known as c.1481G>C), located in coding exon 8 of the RNF43 gene, results from a G to C substitution at nucleotide position 1481. The serine at codon 494 is replaced by threonine, an amino acid with similar properties. This amino acid position is conserved. In addition, this alteration is predicted to be tolerated by in silico analysis. Based on the available evidence, the clinical significance of this variant remains unclear.

Labcorp Genetics (formerly Invitae), Labcorp
Classification: Uncertain significance. Last evaluated: 2025-12-15. Review status: criteria provided, single submitter. Criteria: Invitae Variant Classification Sherloc (09022015). Collection method: clinical testing. Allele origin: germline.
Comment: This sequence change replaces serine, which is neutral and polar, with threonine, which is neutral and polar, at codon 494 of the RNF43 protein (p.Ser494Thr). This variant is not present in population databases (gnomAD no frequency). This variant has not been reported in the literature in individuals affected with RNF43-related conditions. ClinVar contains an entry for this variant (Variation ID: 1938375). An algorithm developed to predict the effect of missense changes on protein structure and function (PolyPhen-2) suggests that this variant is likely to be disruptive. In summary, the available evidence is currently insufficient to determine the role of this variant in disease. Therefore, it has been classified as a Variant of Uncertain Significance.

NM_017763.6(RNF43):c.1481G>C (p.Ser494Thr)

Gene: RNF43 (ring finger protein 43; minus strand). Cytogenetic location: 17q22.
Variant type: single nucleotide variant.
Coding change: c.1481G>C on transcript NM_017763.6 (MANE Select); coding-DNA position 1481, G replaced by C.
Protein change: p.Ser494Thr; replaces serine 494 with threonine.
Molecular consequence: missense variant.
Genome position (GRCh38, 1-based): chr17:58,358,295, C>G on the plus strand (G>C on the coding strand, the complement: RNF43 is on the minus strand). VCF-style: chr17-58358295-C-G. GRCh37 (hg19) VCF-style: chr17-56435656-C-G.
Other names: c.1481G>C, p.Ser494Thr (NM_001305544.3); c.1100G>C, p.Ser367Thr (NM_001305545.2); c.1481G>C (NM_017763.4); short protein forms S494T, S367T.
Identifiers: ClinVar variation 1938375 (VCV001938375.6), dbSNP rs753298734, ClinGen allele CA400329708.